The following is an entry in ClinVar:

ClinVar aggregate classification (germline): Conflicting classifications of pathogenicity. Review status: criteria provided, conflicting classifications (1 of 4 stars). 4 submissions from 4 submitters: Uncertain significance (1); Likely benign (3). Last evaluated 2026-09-01.

Conditions:
Hypogonadotropic hypogonadism 11 with or without anosmia (HH11). Also called: HYPOGONADOTROPIC HYPOGONADISM 11 WITHOUT ANOSMIA; TACR3-Related GnRH Deficiency. Identifiers: Orphanet 478, MedGen C3553844, MONDO:0013913, OMIM 614840.

Allele frequency attached by ClinVar (database versions not stated): 1000 Genomes Project 0.00359; 1000 Genomes Project 30x 0.00390; ESP Exome Variant Server 0.00405; TOPMed 0.00429; gnomAD 0.00433.
gnomAD v4.1: 1,277 of 1,605,264 alleles (0.08%); highest among the groups gnomAD compares: African/African-American, 1.5%; 7 homozygotes.

Submissions (4):

CeGaT Center for Human Genetics Tuebingen
Classification: Likely benign. Last evaluated: 2026-09-01. Review status: criteria provided, single submitter. Criteria: CeGaT Center For Human Genetics Tuebingen Variant Classification Criteria Version 2. Collection method: clinical testing. Allele origin: germline. Affected: yes. Observed: 1 variant allele.
Comment: TACR3: BS1

Blueprint Genetics
Classification: Likely benign. Last evaluated: 2024-10-22. Review status: criteria provided, single submitter. Criteria: ACMG Guidelines, 2015. Collection method: clinical testing. Allele origin: germline.

Illumina Laboratory Services, Illumina
Classification: Uncertain significance for Hypogonadotropic hypogonadism 11 with or without anosmia. Last evaluated: 2018-01-13. Review status: criteria provided, single submitter. Criteria: ICSL Variant Classification Criteria 13 December 2019. Collection method: clinical testing. Allele origin: germline.

GeneDx
Classification: Likely benign. Last evaluated: 2017-07-11. Review status: criteria provided, single submitter. Criteria: GeneDx Variant Classification (06012015). Collection method: clinical testing. Allele origin: germline. Affected: yes.
Comment: This variant is considered likely benign or benign based on one or more of the following criteria: it is a conservative change, it occurs at a poorly conserved position in the protein, it is predicted to be benign by multiple in silico algorithms, and/or has population frequency not consistent with disease.

NM_001059.3(TACR3):c.-20G>A

Gene: TACR3 (tachykinin receptor 3; minus strand). Cytogenetic location: 4q24.
Variant type: single nucleotide variant.
Coding change: c.-20G>A on transcript NM_001059.3 (MANE Select); 20 bases upstream of the start codon, G replaced by A.
Molecular consequence: 5 prime UTR variant.
Genome position (GRCh38, 1-based): chr4:103,719,695, C>T on the plus strand (G>A on the coding strand, the complement: TACR3 is on the minus strand). VCF-style: chr4-103719695-C-T. GRCh37 (hg19) VCF-style: chr4-104640852-C-T.
Identifiers: ClinVar variation 347117 (VCV000347117.7), dbSNP rs201377092, ClinGen allele CA3031211.